The following is an entry in ClinVar:

ClinVar aggregate classification (germline): Uncertain significance (1 of 4 stars; one submission).

Conditions:
KIF5B-related disease.

Submission:

Clinical Genomics Laboratory, Washington University in St. Louis
Classification: Uncertain significance for KIF5B-related disease. Last evaluated: 2025-01-03. Review status: criteria provided, single submitter. Criteria: ACMG Guidelines, 2015. Collection method: clinical testing. Allele origin: germline.
Comment: The KIF5B c.559A>G (p.Lys187Glu) variant, to our knowledge, has not been reported in the medical literature. This variant is only observed on 1 out of 251,322 alleles in the general population (gnomAD v.2.1.1), indicating it is not a common variant. This variant resides within the kinesin motor domain of the KIF5B protein that is defined as a critical functional domain (Itai T et al., PMID: 35342932; Marom R et al., PMID: 37934770). Computational predictors are uncertain as to the impact of this variant on KIF5B function. Due to limited information, and based on ACMG/AMP guidelines for variant interpretation (Richards S et al., PMID: 25741868), the clinical significance of this variant is uncertain at this time.

NM_004521.3(KIF5B):c.559A>G (p.Lys187Glu)

Gene: KIF5B (kinesin family member 5B; minus strand). Cytogenetic location: 10p11.22.
Variant type: single nucleotide variant.
Coding change: c.559A>G on transcript NM_004521.3 (MANE Select); coding-DNA position 559, A replaced by G.
Protein change: p.Lys187Glu; replaces lysine 187 with glutamic acid.
Molecular consequence: missense variant.
Genome position (GRCh38, 1-based): chr10:32,037,547, T>C on the plus strand (A>G on the coding strand, the complement: KIF5B is on the minus strand). VCF-style: chr10-32037547-T-C. GRCh37 (hg19) VCF-style: chr10-32326475-T-C.
Other names: short protein forms K187E.
Identifiers: ClinVar variation 3602595 (VCV003602595.1).
Genomic context (GRCh38, chr10:32,037,547, plus strand): 5'-TTTAAATCCTAACCAGTGTTATTTTCTACTTACTTGTAACTGCTACATGTCTGTTGGATT[T>C]TCCTTCATCTATGGTATCCATAACTTCATCTGGACTACATACAAAACGCTCTGTGCACCC-3'
Protein context (NP_004512.1, residues 177-197): DEVMDTIDEG[Lys187Glu]SNRHVAVTNM